The following is an entry in ClinVar:

ClinVar aggregate classification (germline): Pathogenic. Review status: criteria provided, multiple submitters, no conflicts (2 of 4 stars). 5 submissions from 5 submitters: Pathogenic (5). Last evaluated 2024-11-11.

Conditions:
Primary ciliary dyskinesia. Also called: Ciliary dyskinesia. Identifiers: Orphanet 244, MedGen C0008780, MONDO:0016575, HP:0012265.
Primary ciliary dyskinesia 14. Also called: CILIARY DYSKINESIA, PRIMARY, 14, WITH OR WITHOUT SITUS INVERSUS. Identifiers: Orphanet 244, MedGen C3151136, MONDO:0013434, OMIM 613807.
CCDC39-related disorder. Also called: CCDC39-related condition.

Submissions (5):

Blueprint Genetics
Classification: Pathogenic for CCDC39-related disorders. Last evaluated: 2024-11-11. Review status: criteria provided, single submitter. Criteria: ACMG Guidelines, 2015. Collection method: clinical testing. Allele origin: germline. Affected: yes. Observed: 1 variant allele.

Labcorp Genetics (formerly Invitae), Labcorp
Classification: Pathogenic for Primary ciliary dyskinesia. Last evaluated: 2023-11-18. Review status: criteria provided, single submitter. Criteria: Invitae Variant Classification Sherloc (09022015). Collection method: clinical testing. Allele origin: germline.
Comment: This sequence change creates a premature translational stop signal (p.Cys680Trpfs*15) in the CCDC39 gene. It is expected to result in an absent or disrupted protein product. Loss-of-function variants in CCDC39 are known to be pathogenic (PMID: 21131972, 23255504). This variant is not present in population databases (gnomAD no frequency). This premature translational stop signal has been observed in individual(s) with primary ciliary dyskinesia (PMID: 22693285). ClinVar contains an entry for this variant (Variation ID: 1012311). For these reasons, this variant has been classified as Pathogenic.

Ambry Genetics
Classification: Pathogenic for Primary ciliary dyskinesia. Last evaluated: 2023-09-05. Review status: criteria provided, single submitter. Criteria: Ambry Variant Classification Scheme 2023. Collection method: clinical testing. Allele origin: germline.
Comment: The c.2040_2043delTTTG pathogenic mutation, located in coding exon 15 of the CCDC39 gene, results from a deletion of 4 nucleotides at nucleotide positions 2040 to 2043, causing a translational frameshift with a predicted alternate stop codon (p.C680Wfs*15). This mutation was reported in a child with Kartagener's syndrome and absent inner dynein arms in conjunction with a second frameshift variant; however, phase information was not provided (Blanchon S et al. J Med Genet, 2012 Jun;49:410-6). This mutation was also reported in the homozygous state in a child with situs inversus totalis and cough (Hao C et al. Hum Mutat, 2021 Jul;42:891-900). This variant is considered to be rare based on population cohorts in the Genome Aggregation Database (gnomAD). In addition to the clinical data presented in the literature, this alteration is expected to result in loss of function by premature protein truncation or nonsense-mediated mRNA decay. As such, this alteration is interpreted as a disease-causing mutation.

Fulgent Genetics
Classification: Pathogenic for Primary ciliary dyskinesia 14. Last evaluated: 2021-10-15. Review status: criteria provided, single submitter. Criteria: ACMG Guidelines, 2015. Collection method: clinical testing. Allele origin: unknown.

Beijing Key Laboratry for Genetics of Birth Defects, Beijing Children's Hospital
Classification: Pathogenic for Primary ciliary dyskinesia 14. Last evaluated: 2020-12-20. Review status: criteria provided, single submitter. Criteria: ACMG Guidelines, 2015. Collection method: clinical testing. Allele origin: germline. Affected: yes. Observed: 1 variant allele.

Literature cited by the submitters: PubMed 21131972 (cited by Labcorp Genetics (formerly Invitae), Labcorp); PubMed 23255504 (cited by Labcorp Genetics (formerly Invitae), Labcorp); PubMed 22693285 (cited by 3 submitters); PubMed 33942430 (cited by Ambry Genetics).

NM_181426.2(CCDC39):c.2040_2043del (p.Cys680fs)

Gene: CCDC39 (coiled-coil domain 39 molecular ruler complex subunit; minus strand). Cytogenetic location: 3q26.33.
Variant type: Deletion.
Coding change: c.2040_2043del on transcript NM_181426.2 (MANE Select); coding-DNA positions 2040 to 2043, 4 bases deleted (TTTG; older notation c.2040_2043delTTTG).
Protein change: p.Cys680fs; shifts the reading frame from cysteine 680.
Molecular consequence: frameshift variant.
Genome position (GRCh38, 1-based): chr3:180,619,926-180,619,929, CAAA deleted on the plus strand (TTTG on the coding strand, the reverse complement: CCDC39 is on the minus strand); deleting any 4 consecutive bases within chr3:180,619,926-180,619,931 gives the same sequence; the c. name uses the placement nearest the transcript's 3' end. VCF-style (leftmost placement, unchanged base first): chr3-180619925-CCAAA-C. GRCh37 (hg19) VCF-style: chr3-180337713-CCAAA-C.
Other names: c.2040_2043delTTTG (NM_181426.1); short protein forms C680fs.
Identifiers: ClinVar variation 1012311 (VCV001012311.9), dbSNP rs1174553107, ClinGen allele CA645529232.